The following is an entry in ClinVar:

ClinVar aggregate classification (germline): Pathogenic (1 of 4 stars; one submission).

Conditions:
Hepatoblastoma. Identifiers: Orphanet 449, MedGen C0206624, MONDO:0018666, HP:0002884.

Submission:

Department of Clinical Genetics, Copenhagen University Hospital, Rigshospitalet
Classification: Pathogenic for Hepatoblastoma. Last evaluated: 2025-07-01. Review status: criteria provided, single submitter. Criteria: ACMG Guidelines, 2015. Collection method: clinical testing. Allele origin: germline. Affected: yes.
Comment: Relation to disease is currently unknown

NM_001382508.1(DROSHA):c.927dup (p.Glu310fs)

Gene: DROSHA (drosha ribonuclease III; minus strand). Cytogenetic location: 5p13.3.
Variant type: Duplication.
Coding change: c.927dup on transcript NM_001382508.1 (MANE Select); coding-DNA position 927, one base duplicated (A; older notation c.927dupA).
Protein change: p.Glu310fs; shifts the reading frame from glutamic acid 310.
Molecular consequence: frameshift variant.
Genome position (GRCh38, 1-based): chr5:31,521,143, T duplicated on the plus strand (A on the coding strand, the reverse complement: DROSHA is on the minus strand); the first of 6 consecutive T bases (chr5:31,521,143-31,521,148); duplicating any one gives the same sequence. VCF-style (leftmost placement, unchanged base first): chr5-31521142-C-CT. GRCh37 (hg19) VCF-style: chr5-31521249-C-CT.
Other names: c.927dup, p.Glu310fs (NM_001100412.2, NM_013235.5); short protein forms E310fs.
Identifiers: ClinVar variation 4073702 (VCV004073702.1).